The following is an entry in ClinVar:

NM_001967.4(EIF4A2):c.771+5C>T

Gene: EIF4A2 (eukaryotic translation initiation factor 4A2; plus strand). Cytogenetic location: 3q27.3.
Variant type: single nucleotide variant.
Coding change: c.771+5C>T on transcript NM_001967.4 (MANE Select); 5 bases into the intron after coding-DNA position 771, C replaced by T.
Molecular consequence: intron variant.
Genome position (GRCh38, 1-based): chr3:186,786,650, C>T. VCF-style: chr3-186786650-C-T. GRCh37 (hg19) VCF-style: chr3-186504439-C-T.
Identifiers: ClinVar variation 3052628 (VCV003052628.2), dbSNP rs181852973, ClinGen allele CA2746980.
Genomic context (GRCh38, chr3:186,786,650, plus strand): 5'-AGGAAGAATTGACCCTTGAAGGAATCAAACAGTTTTATATTAATGTTGAGAGAGAGGTAA[C>T]TGTCTGATTGTTAGACATTATTTTACCTTCTTGTATAAGCACTGTGCTAAAATTGCAGAC-3'

ClinVar aggregate classification (germline): Likely benign (0 of 4 stars; one submission).

Conditions:
EIF4A2-related disorder. Also called: EIF4A2-related condition.

Allele frequency attached by ClinVar (database versions not stated): 1000 Genomes Project 30x 0.00016; 1000 Genomes Project 0.00020; ExAC 0.00107; ESP Exome Variant Server 0.00138.

Submission:

PreventionGenetics, part of Exact Sciences
Classification: Likely benign for EIF4A2-related condition. Last evaluated: 2019-02-18. Review status: no assertion criteria provided. Collection method: clinical testing. Allele origin: germline.
Comment: This variant is classified as likely benign based on ACMG/AMP sequence variant interpretation guidelines (Richards et al. 2015 PMID: 25741868, with internal and published modifications).